The following is an entry in ClinVar:

NM_000048.4(ASL):c.698C>G (p.Thr233Ser)

Gene: ASL (argininosuccinate lyase; plus strand). Cytogenetic location: 7q11.21.
Variant type: single nucleotide variant.
Coding change: c.698C>G on transcript NM_000048.4 (MANE Select); coding-DNA position 698, C replaced by G.
Protein change: p.Thr233Ser; replaces threonine 233 with serine.
Molecular consequence: missense variant.
Genome position (GRCh38, 1-based): chr7:66,087,771, C>G. VCF-style: chr7-66087771-C-G. GRCh37 (hg19) VCF-style: chr7-65552758-C-G.
Other names: c.698C>G, p.Thr233Ser (NM_001024943.2, NM_001024944.2); c.620C>G, p.Thr207Ser (NM_001024946.2); short protein forms T207S, T233S.
Identifiers: ClinVar variation 1484292 (VCV001484292.5), dbSNP rs1229119110, ClinGen allele CA367644748.

ClinVar aggregate classification (germline): Uncertain significance (1 of 4 stars; one submission).

Conditions:
Argininosuccinate lyase deficiency. Also called: ARGININOSUCCINIC ACID LYASE DEFICIENCY; ASL DEFICIENCY; Argininosuccinic aciduria. Identifiers: Orphanet 23, MedGen C0268547, MONDO:0008815, OMIM 207900, HP:0025630.

Allele frequency attached by ClinVar (database versions not stated): gnomAD exomes below 0.00001.
gnomAD v4.1: 3 of 1,614,168 alleles (0.00019%); highest among the groups gnomAD compares: Non-Finnish European, 0.00017%; no homozygotes.

Submission:

Labcorp Genetics (formerly Invitae), Labcorp
Classification: Uncertain significance for Argininosuccinate lyase deficiency. Last evaluated: 2021-08-28. Review status: criteria provided, single submitter. Criteria: Invitae Variant Classification Sherloc (09022015). Collection method: clinical testing. Allele origin: germline.
Comment: This sequence change replaces threonine with serine at codon 233 of the ASL protein (p.Thr233Ser). The threonine residue is moderately conserved and there is a small physicochemical difference between threonine and serine. This variant is not present in population databases (ExAC no frequency). This variant has not been reported in the literature in individuals affected with ASL-related conditions. Advanced modeling of protein sequence and biophysical properties (such as structural, functional, and spatial information, amino acid conservation, physicochemical variation, residue mobility, and thermodynamic stability) performed at Invitae indicates that this missense variant is expected to disrupt ASL protein function. In summary, the available evidence is currently insufficient to determine the role of this variant in disease. Therefore, it has been classified as a Variant of Uncertain Significance.